The following is an entry in ClinVar:

NM_000263.4(NAGLU):c.2205C>A (p.Tyr735Ter)

Gene: NAGLU (N-acetyl-alpha-glucosaminidase; plus strand). Cytogenetic location: 17q21.2.
Variant type: single nucleotide variant.
Coding change: c.2205C>A on transcript NM_000263.4 (MANE Select); coding-DNA position 2205, C replaced by A.
Protein change: p.Tyr735Ter; replaces tyrosine 735 with a stop codon.
Molecular consequence: nonsense.
Genome position (GRCh38, 1-based): chr17:42,544,211, C>A. VCF-style: chr17-42544211-C-A. GRCh37 (hg19) VCF-style: chr17-40696229-C-A.
Other names: short protein forms Y735*.
Identifiers: ClinVar variation 2010740 (VCV002010740.2), dbSNP rs1310530729, ClinGen allele CA399606457.
Genomic context (GRCh38, chr17:42,544,211, plus strand): 5'-CCCCAGCCAGCCGCGAGGAGACACTGTGGACCTGGCCAAGAAGATCTTCCTCAAATATTA[C>A]CCCCGCTGGGTGGCCGGCTCTTGGTGATAGATTCGCCACCACTGGGCCTTGTTTTCCGCT-3'

ClinVar aggregate classification (germline): Uncertain significance (1 of 4 stars; one submission).

Conditions:
Mucopolysaccharidosis, MPS-III-B (MPS3B). Also called: N-ACETYL-ALPHA-D-GLUCOSAMINIDASE DEFICIENCY; NAGLU DEFICIENCY; SANFILIPPO SYNDROME B; MPS III B; Mucopolysaccharidosis type IIIB (Sanfilippo B); MPS IIIB (Sanfilippo Syndrome Type B). Identifiers: Orphanet 79270, MedGen C0086648, MONDO:0009656, OMIM 252920.
Charcot-Marie-Tooth disease axonal type 2V. Also called: CHARCOT-MARIE-TOOTH NEUROPATHY, TYPE 2V; CHARCOT-MARIE-TOOTH DISEASE, AXONAL, AUTOSOMAL DOMINANT, TYPE 2V. Identifiers: Orphanet 447964, MedGen C5569050, MONDO:0014665, OMIM 616491.

Submission:

Labcorp Genetics (formerly Invitae), Labcorp
Classification: Uncertain significance for Charcot-Marie-Tooth disease axonal type 2V; Mucopolysaccharidosis, MPS-III-B. Last evaluated: 2022-05-24. Review status: criteria provided, single submitter. Criteria: Invitae Variant Classification Sherloc (09022015). Collection method: clinical testing. Allele origin: germline.
Comment: In summary, the available evidence is currently insufficient to determine the role of this variant in disease. Therefore, it has been classified as a Variant of Uncertain Significance. Experimental studies and prediction algorithms are not available or were not evaluated, and the functional significance of this variant is currently unknown. This variant has not been reported in the literature in individuals affected with NAGLU-related conditions. This variant is not present in population databases (gnomAD no frequency). This sequence change creates a premature translational stop signal (p.Tyr735*) in the NAGLU gene. While this is not anticipated to result in nonsense mediated decay, it is expected to disrupt the last 9 amino acid(s) of the NAGLU protein.